The following is an entry in ClinVar:

NM_000219.6(KCNE1):c.343A>T (p.Ile115Leu)

Gene: KCNE1 (potassium voltage-gated channel subfamily E regulatory subunit 1; minus strand). Cytogenetic location: 21q22.12.
Variant type: single nucleotide variant.
Coding change: c.343A>T on transcript NM_000219.6 (MANE Select); coding-DNA position 343, A replaced by T.
Protein change: p.Ile115Leu; replaces isoleucine 115 with leucine.
Molecular consequence: missense variant.
Genome position (GRCh38, 1-based): chr21:34,449,292, T>A on the plus strand (A>T on the coding strand, the complement: KCNE1 is on the minus strand). VCF-style: chr21-34449292-T-A. GRCh37 (hg19) VCF-style: chr21-35821590-T-A.
Other names: c.343A>T, p.Ile115Leu (NM_001127668.4, NM_001127669.4, NM_001127670.4 and 4 more transcripts); short protein forms I115L.
Identifiers: ClinVar variation 3373775 (VCV003373775.2).
Genomic context (GRCh38, chr21:34,449,292, plus strand): 5'-CCAGTGGTGGGGTTCATGGGGAAGGCTTCGTCTCAGGAAGGTGTGTGTTGGGTTGTTCTA[T>A]GGCCAGATGGTTTTCAACGACATAGCACGACCTGTAGCTCTCCAGGACCCGGGCCTGGAC-3'
Protein context (NP_000210.2, residues 105-125): SCYVVENHLA[Ile115Leu]EQPNTHLPET

Conditions:
Long QT syndrome 5 (LQT5). Identifiers: Orphanet 101016, Orphanet 768, MedGen C1867904, MONDO:0013372, OMIM 613695.

Submission:

Roden Lab, Vanderbilt University Medical Center
No classification provided (evidence only). Condition: Long QT syndrome 5. Review status: no classification provided. Collection method: in vitro. Allele origin: not applicable. Functional consequence: Effect on ion channel function.
ClinVar note: "not provided" was previously submitted as the classification for the variant. However, the classification appeared to be based only on an observation of functional data so it was converted to no classification on 2025-07-30.